The following is an entry in ClinVar:

ClinVar aggregate classification (germline): Uncertain significance. Review status: criteria provided, multiple submitters, no conflicts (2 of 4 stars). 2 submissions from 2 submitters: Uncertain significance (2). Last evaluated 2025-08-22.

Conditions:
Inborn genetic diseases. Identifiers: MedGen C0950123, MeSH D030342.

Allele frequency attached by ClinVar (database versions not stated): gnomAD exomes below 0.00001 and 0.00001; ExAC 0.00002; gnomAD 0.00002; TOPMed 0.00002.
gnomAD v4.1: 8 of 1,613,900 alleles (0.0005%); highest among the groups gnomAD compares: African/African-American, 0.0067%; no homozygotes.

Submissions (2):

Ambry Genetics
Classification: Uncertain significance for Inborn genetic diseases. Last evaluated: 2025-08-22. Review status: criteria provided, single submitter. Criteria: Ambry Variant Classification Scheme 2023. Collection method: clinical testing. Allele origin: germline.

Labcorp Genetics (formerly Invitae), Labcorp
Classification: Uncertain significance. Last evaluated: 2025-06-24. Review status: criteria provided, single submitter. Criteria: Invitae Variant Classification Sherloc (09022015). Collection method: clinical testing. Allele origin: germline.
Comment: This sequence change replaces arginine, which is basic and polar, with cysteine, which is neutral and slightly polar, at codon 21 of the RHOBTB2 protein (p.Arg21Cys). This variant is present in population databases (rs779796324, gnomAD 0.007%). This variant has not been reported in the literature in individuals affected with RHOBTB2-related conditions. ClinVar contains an entry for this variant (Variation ID: 1522172). An algorithm developed to predict the effect of missense changes on protein structure and function (PolyPhen-2) suggests that this variant is likely to be tolerated. In summary, the available evidence is currently insufficient to determine the role of this variant in disease. Therefore, it has been classified as a Variant of Uncertain Significance.

NM_015178.3(RHOBTB2):c.-6C>T

Gene: RHOBTB2 (Rho related BTB domain containing 2; plus strand). Cytogenetic location: 8p21.3.
Variant type: single nucleotide variant.
Coding change: c.-6C>T on transcript NM_015178.3 (MANE Select); 6 bases upstream of the start codon, C replaced by T.
Molecular consequence: 5 prime UTR variant. On other transcripts: missense variant (2).
Genome position (GRCh38, 1-based): chr8:23,004,429, C>T. VCF-style: chr8-23004429-C-T. GRCh37 (hg19) VCF-style: chr8-22861942-C-T.
Other names: c.61C>T, p.Arg21Cys (NM_001160036.2); c.16C>T, p.Arg6Cys (NM_001160037.2); c.-6C>T (NM_001374791.1); c.61C>T (NM_001160036.1); short protein forms R21C, R6C.
Identifiers: ClinVar variation 1522172 (VCV001522172.9), dbSNP rs779796324, ClinGen allele CA4672359.